The following is an entry in ClinVar:

ClinVar aggregate classification (germline): Uncertain significance (1 of 4 stars; one submission).

Submission:

Labcorp Genetics (formerly Invitae), Labcorp
Classification: Uncertain significance. Last evaluated: 2023-03-02. Review status: criteria provided, single submitter. Criteria: Invitae Variant Classification Sherloc (09022015). Collection method: clinical testing. Allele origin: germline.
Comment: In summary, the available evidence is currently insufficient to determine the role of this variant in disease. Therefore, it has been classified as a Variant of Uncertain Significance. Advanced modeling of protein sequence and biophysical properties (such as structural, functional, and spatial information, amino acid conservation, physicochemical variation, residue mobility, and thermodynamic stability) performed at Invitae indicates that this missense variant is not expected to disrupt KIF22 protein function. This variant has not been reported in the literature in individuals affected with KIF22-related conditions. This variant is not present in population databases (gnomAD no frequency). This sequence change replaces glutamine, which is neutral and polar, with arginine, which is basic and polar, at codon 456 of the KIF22 protein (p.Gln456Arg).

NM_007317.3(KIF22):c.1367A>G (p.Gln456Arg)

Gene: KIF22 (kinesin family member 22; plus strand). Cytogenetic location: 16p11.2.
Variant type: single nucleotide variant.
Coding change: c.1367A>G on transcript NM_007317.3 (MANE Select); coding-DNA position 1367, A replaced by G.
Protein change: p.Gln456Arg; replaces glutamine 456 with arginine.
Molecular consequence: missense variant.
Genome position (GRCh38, 1-based): chr16:29,802,855, A>G. VCF-style: chr16-29802855-A-G. GRCh37 (hg19) VCF-style: chr16-29814176-A-G.
Other names: c.1163A>G, p.Gln388Arg (NM_001256269.2, NM_001256270.1); short protein forms Q388R, Q456R.
Identifiers: ClinVar variation 2842251 (VCV002842251.3), dbSNP rs2543278725, ClinGen allele CA395459485.